The following is an entry in ClinVar:

NM_001145073.3(USP27X):c.1045G>A (p.Gly349Arg)

Gene: USP27X (ubiquitin specific peptidase 27 X-linked; plus strand). Cytogenetic location: Xp11.23.
Variant type: single nucleotide variant.
Coding change: c.1045G>A on transcript NM_001145073.3 (MANE Select); coding-DNA position 1045, G replaced by A.
Protein change: p.Gly349Arg; replaces glycine 349 with arginine.
Molecular consequence: missense variant.
Genome position (GRCh38, 1-based): chrX:49,881,352, G>A. VCF-style: chrX-49881352-G-A. GRCh37 (hg19) VCF-style: chrX-49645955-G-A.
Other names: short protein forms G349R.
Identifiers: ClinVar variation 3776466 (VCV003776466.1).
Genomic context (GRCh38, chrX:49,881,352, plus strand): 5'-TTTCCTCTGGAGCTGGATATGACGCCGTTTATGGCCTCAAGTAAAGAGAGCAGAATGAAT[G>A]GACAATTGCAGCTGCCAACCAATAGTGGAAACAACGAAAATAAGTATTCCTTGTTTGCTG-3'
Protein context (NP_001138545.1, residues 339-359): MASSKESRMN[Gly349Arg]QLQLPTNSGN

ClinVar aggregate classification (germline): Uncertain significance (1 of 4 stars; one submission).

Submission:

GeneDx
Classification: Uncertain significance. Last evaluated: 2024-10-02. Review status: criteria provided, single submitter. Criteria: GeneDx Variant Classification Process June 2021. Collection method: clinical testing. Allele origin: germline. Affected: yes.
Comment: Not observed at significant frequency in large population cohorts (gnomAD); In silico analysis supports that this missense variant has a deleterious effect on protein structure/function; Has not been previously published as pathogenic or benign to our knowledge